The following is an entry in ClinVar:

ClinVar aggregate classification (germline): Benign/Likely benign. Review status: criteria provided, multiple submitters, no conflicts (2 of 4 stars). 4 submissions from 4 submitters: Benign (1); Likely benign (2). 1 of the submissions does not count toward it. Last evaluated 2025-12-08.

Conditions:
SAMD11-related disorder. Also called: SAMD11-related condition.

Allele frequency attached by ClinVar (database versions not stated): 1000 Genomes Project 0.00140; 1000 Genomes Project 30x 0.00156; ESP Exome Variant Server 0.00171; gnomAD 0.00258; TOPMed 0.00265.

Submissions (4):

Labcorp Genetics (formerly Invitae), Labcorp
Classification: Benign. Last evaluated: 2025-12-08. Review status: criteria provided, single submitter. Criteria: Invitae Variant Classification Sherloc (09022015). Collection method: clinical testing. Allele origin: germline.

CeGaT Center for Human Genetics Tuebingen
Classification: Likely benign. Last evaluated: 2025-07-01. Review status: criteria provided, single submitter. Criteria: CeGaT Center For Human Genetics Tuebingen Variant Classification Criteria Version 2. Collection method: clinical testing. Allele origin: germline. Affected: yes. Observed: 2 variant alleles.
Comment: SAMD11: BP4

Blueprint Genetics
Classification: Likely benign. Last evaluated: 2024-11-22. Review status: criteria provided, single submitter. Criteria: ACMG Guidelines, 2015. Collection method: clinical testing. Allele origin: germline.

PreventionGenetics, part of Exact Sciences
Classification: Likely benign for SAMD11-related condition. Last evaluated: 2019-07-12. Review status: no assertion criteria provided. Collection method: clinical testing. Allele origin: germline. Not counted in ClinVar's aggregate classification.
Comment: This variant is classified as likely benign based on ACMG/AMP sequence variant interpretation guidelines (Richards et al. 2015 PMID: 25741868, with internal and published modifications).

NM_001385641.1(SAMD11):c.2178+7G>C

Gene: SAMD11 (sterile alpha motif domain containing 11; plus strand). Cytogenetic location: 1p36.33.
Variant type: single nucleotide variant.
Coding change: c.2178+7G>C on transcript NM_001385641.1 (MANE Select); 7 bases into the intron after coding-DNA position 2178, G replaced by C.
Molecular consequence: intron variant.
Genome position (GRCh38, 1-based): chr1:943,384, G>C. VCF-style: chr1-943384-G-C. GRCh37 (hg19) VCF-style: chr1-878764-G-C.
Other names: c.2181+7G>C (NM_001385640.1); c.1689+7G>C (NM_152486.4, NM_152486.2).
Identifiers: ClinVar variation 1164753 (VCV001164753.20), dbSNP rs180779437, ClinGen allele CA503187.
Genomic context (GRCh38, chr1:943,384, plus strand): 5'-GATGACGTCTGCAGCTTCGTGGGGGGCCTGTCTGGCTGTGGAGAGTACACTCGGGTAAGG[G>C]GGGGCCCCAGTTCCTGGGGCGGGGCTGGAGCTGGCTGGCAGTCACTACCTCCCTGGAAAG-3'